The following is an entry in ClinVar:

NM_000521.4(HEXB):c.1615C>T (p.Arg539Cys)

Gene: HEXB (hexosaminidase subunit beta; plus strand). Cytogenetic location: 5q13.3.
Variant type: single nucleotide variant.
Coding change: c.1615C>T on transcript NM_000521.4 (MANE Select); coding-DNA position 1615, C replaced by T.
Protein change: p.Arg539Cys; replaces arginine 539 with cysteine.
Molecular consequence: missense variant.
Genome position (GRCh38, 1-based): chr5:74,721,119, C>T. VCF-style: chr5-74721119-C-T. GRCh37 (hg19) VCF-style: chr5-74016944-C-T.
Other names: c.940C>T, p.Arg314Cys (NM_001292004.2); short protein forms R539C, R314C.
Identifiers: ClinVar variation 550133 (VCV000550133.4), dbSNP rs749646826, ClinGen allele CA3306237.
Genomic context (GRCh38, chr5:74,721,119, plus strand): 5'-CTTTATGAATGATATCAATCTAAATCAATCTAAAATATCTTTATTCATGTTATCTACAGA[C>T]GTGGAATAGCTGCACAACCTCTTTATGCTGGATATTGTAACCATGAGAACATGTAAAAAA-3'
Protein context (NP_000512.2, residues 529-549): LTRHRCRMVE[Arg539Cys]GIAAQPLYAG

ClinVar aggregate classification (germline): Conflicting classifications of pathogenicity. Review status: criteria provided, conflicting classifications (1 of 4 stars). 3 submissions from 3 submitters: Likely pathogenic (1); Uncertain significance (1). 1 of the submissions does not count toward it. Last evaluated 2026-06-23.

Conditions:
Sandhoff disease. Also called: Beta-hexosaminidase-beta-subunit deficiency; GM2 gangliosidosis, type 2; Total hexosaminidase deficiency; Sandhoff-Jatzkewitz-Pilz disease; GM2-GANGLIOSIDOSIS, TYPE II; HEXOSAMINIDASES A AND B DEFICIENCY. Identifiers: Orphanet 796, MedGen C0036161, MONDO:0010006, OMIM 268800.

Allele frequency attached by ClinVar (database versions not stated): TOPMed below 0.00001; gnomAD 0.00001; gnomAD exomes 0.00001 and 0.00002; ExAC 0.00002.
gnomAD v4.1: 22 of 1,608,168 alleles (0.0014%); highest among the groups gnomAD compares: South Asian, 0.0055%; no homozygotes.

Submissions (3):

Myriad Genetics, Inc.
Classification: Uncertain significance for Sandhoff disease. Last evaluated: 2026-06-23. Review status: criteria provided, single submitter. Criteria: Myriad Autosomal Dominant, Autosomal Recessive and X-Linked Classification Criteria (2023). Collection method: clinical testing. Allele origin: unknown.
Comment: NM_000521.3(HEXB):c.1615C>T(R539C) is a missense variant classified as a variant of uncertain significance in the context of Sandhoff disease. R539C has been observed in cases with relevant disease (PMID: 28895707, 37597066, and Kantarci_2013_ (Abstract)). Relevant functional assessments of this variant are not available in the literature. R539C has been observed in referenced population frequency databases. In summary, there is insufficient evidence to classify NM_000521.3(HEXB):c.1615C>T(R539C) as pathogenic or benign. Please note: this variant was assessed in the context of healthy population screening.

Natera, Inc.
Classification: Likely pathogenic for Sandhoff disease. Last evaluated: 2025-05-20. Review status: criteria provided, single submitter. Criteria: Natera Variant Classification Schema (03/2026). Collection method: clinical testing. Allele origin: germline.
Comment: The c.1615C>T variant in HEXB is a missense variant predicted to cause substitution of arginine to cysteine at amino acid 539. This variant is rare in the general population with a frequency below the threshold expected for the associated phenotype(s). This variant has been observed in one or more individuals affected with the associated recessive disease, as either homozygous or compound heterozygous with a second variant (PMID: 28895707, 33547378, 37597066). Computational prediction algorithms indicate this variant is likely to affect gene or protein function. Given the available evidence, this variant is classified as Likely Pathogenic.

Counsyl
Classification: Uncertain significance for Sandhoff disease. Last evaluated: 2016-12-15. Review status: no assertion criteria provided. Collection method: clinical testing. Allele origin: unknown. Not counted in ClinVar's aggregate classification.

Literature cited by the submitters: PubMed 28895707 (cited by Natera, Inc.); PubMed 33547378 (cited by Natera, Inc.); PubMed 37597066 (cited by Natera, Inc.); PubMed 22789865 (cited by Counsyl).